The following is an entry in ClinVar:

ClinVar aggregate classification (germline): Likely benign (0 of 4 stars; one submission).

Conditions:
CUL4B-related disorder. Also called: CUL4B-related condition.

Submission:

PreventionGenetics, part of Exact Sciences
Classification: Likely benign for CUL4B-related condition. Last evaluated: 2022-02-26. Review status: no assertion criteria provided. Collection method: clinical testing. Allele origin: germline.
Comment: This variant is classified as likely benign based on ACMG/AMP sequence variant interpretation guidelines (Richards et al. 2015 PMID: 25741868, with internal and published modifications).

NM_001079872.2(CUL4B):c.1803G>A (p.Lys601=)

Gene: CUL4B (cullin 4B; minus strand). Cytogenetic location: Xq24.
Variant type: single nucleotide variant.
Coding change: c.1803G>A on transcript NM_001079872.2 (MANE Select); coding-DNA position 1803, G replaced by A.
Protein change: p.Lys601=; no amino-acid change (lysine 601 retained).
Molecular consequence: synonymous variant.
Genome position (GRCh38, 1-based): chrX:120,538,709, C>T on the plus strand (G>A on the coding strand, the complement: CUL4B is on the minus strand). VCF-style: chrX-120538709-C-T. GRCh37 (hg19) VCF-style: chrX-119672564-C-T.
Other names: c.1818G>A, p.Lys606= (NM_001330624.2); c.1269G>A, p.Lys423= (NM_001369145.1); c.1857G>A, p.Lys619= (NM_003588.4).
Identifiers: ClinVar variation 3054838 (VCV003054838.2), dbSNP rs2521089951, ClinGen allele CA518224213.
Genomic context (GRCh38, chrX:120,538,709, plus strand): 5'-GAGAAACCTACCATGTTTAAGTTTGGACAGCATTGATTTTTCAGCATCTACAGATGCACT[C>T]TTTCCGACTAACAGGCGCTTGGCTAAATCTTTCTTATAGAAGGCCTCAAAAACATCCTTG-3'
Protein context (NP_001073341.1, residues 591-611): KDLAKRLLVG[Lys601=]SASVDAEKSM